The following is an entry in ClinVar:

NM_006361.6(HOXB13):c.724A>G (p.Thr242Ala)

Gene: HOXB13 (homeobox B13; minus strand). Cytogenetic location: 17q21.32.
Variant type: single nucleotide variant.
Coding change: c.724A>G on transcript NM_006361.6 (MANE Select); coding-DNA position 724, A replaced by G.
Protein change: p.Thr242Ala; replaces threonine 242 with alanine.
Molecular consequence: missense variant.
Genome position (GRCh38, 1-based): chr17:48,726,921, T>C on the plus strand (A>G on the coding strand, the complement: HOXB13 is on the minus strand). VCF-style: chr17-48726921-T-C. GRCh37 (hg19) VCF-style: chr17-46804283-T-C.
Other names: short protein forms T242A.
Identifiers: ClinVar variation 4826136 (VCV004826136.1).

ClinVar aggregate classification (germline): Uncertain significance (1 of 4 stars; one submission).

Conditions:
Hereditary cancer-predisposing syndrome. Also called: Neoplastic Syndromes, Hereditary; Tumor predisposition; Hereditary Cancer Syndrome; Hereditary neoplastic syndrome. Identifiers: Orphanet 140162, MedGen C0027672, MeSH D009386, MONDO:0015356.

Submission:

Ambry Genetics
Classification: Uncertain significance for Hereditary cancer-predisposing syndrome. Last evaluated: 2026-03-12. Review status: criteria provided, single submitter. Criteria: Ambry Variant Classification Scheme 2023. Collection method: clinical testing. Allele origin: germline.
Comment: The p.T242A variant (also known as c.724A>G), located in coding exon 2 of the HOXB13 gene, results from an A to G substitution at nucleotide position 724. The threonine at codon 242 is replaced by alanine, an amino acid with similar properties. This amino acid position is conserved. In addition, this alteration is predicted to be deleterious by in silico analysis. Based on the available evidence, the clinical significance of this variant remains unclear.